The following is an entry in ClinVar:

ClinVar aggregate classification (germline): Conflicting classifications of pathogenicity. Review status: criteria provided, conflicting classifications (1 of 4 stars). 7 submissions from 6 submitters: Uncertain significance (1); Benign (1); Likely benign (4). 1 of the submissions does not count toward it. Last evaluated 2025-12-23.

Conditions:
Hypophosphatemic rickets, autosomal recessive, 2 (ARHR2). Identifiers: Orphanet 289176, MedGen C2750078, MONDO:0013219, OMIM 613312.
ENPP1-related disorder. Also called: ENPP1-related disorders; ENPP1-related condition.
Type 2 diabetes mellitus. Also called: Type II diabetes mellitus. Identifiers: MedGen C0011860, MeSH D003924, MONDO:0005148, OMIM 125853, HP:0005978.
Arterial calcification, generalized, of infancy, 1 (GACI1). Also called: Idiopathic Infantile Arterial Calcification. Identifiers: Orphanet 51608, MedGen C4551985, MONDO:0008817, OMIM 208000.
Hypopigmentation-punctate palmoplantar keratoderma syndrome. Also called: GUTTATE HYPOPIGMENTATION AND PUNCTATE PALMOPLANTAR KERATODERMA WITH OR WITHOUT ECTOPIC CALCIFICATION; Cole disease. Identifiers: Orphanet 324561, MedGen C3809781, MONDO:0014227, OMIM 615522.
Inherited obesity. Also called: Monogenic Obesity. Identifiers: Orphanet 77828, MedGen C4054476, MONDO:0019182, OMIM 601665.

Allele frequency attached by ClinVar (database versions not stated): ESP Exome Variant Server 0.00015; gnomAD 0.00021 and 0.00036; TOPMed 0.00022; ExAC 0.00097; gnomAD exomes 0.00097; 1000 Genomes Project 0.00140; 1000 Genomes Project 30x 0.00141.
gnomAD v4.1: 855 of 1,614,032 alleles (0.053%); highest among the groups gnomAD compares: South Asian, 0.61%; 9 homozygotes.

Submissions (7):

Women's Health and Genetics/Laboratory Corporation of America, LabCorp
Classification: Likely benign. Last evaluated: 2025-12-23. Review status: criteria provided, single submitter. Criteria: LabCorp Variant Classification Summary - May 2015. Collection method: clinical testing. Allele origin: germline.
Comment: Variant summary: ENPP1 c.2336C>A (p.Thr779Asn) results in a non-conservative amino acid change in the encoded protein sequence. Algorithms developed to predict the effect of missense changes on protein structure and function are either unavailable or do not agree on the potential impact of this missense change. The variant allele was found at a frequency of 0.00097 in 251406 control chromosomes, predominantly at a frequency of 0.0064 within the South Asian subpopulation in the gnomAD database, including 4 homozygotes. The observed variant frequency within South Asian control individuals in the gnomAD database exceeds the estimated maximal expected allele frequency for disease-causing variants in ENPP1. c.2336C>A has been observed in the homozygous state in at least one individual affected with severe inflammatory bowel disease, without strong evidence of causality (example: Li_2016). This report does not provide unequivocal conclusions about association of the variant with ENPP1-Related Disorders. To our knowledge, no experimental evidence demonstrating an impact on protein function has been reported. The following publication has been ascertained in the context of this evaluation (PMID: 26836588). ClinVar contains an entry for this variant (Variation ID: 435061). Based on the evidence outlined above, the variant was classified as likely benign.

Labcorp Genetics (formerly Invitae), Labcorp
Classification: Benign. Last evaluated: 2025-12-09. Review status: criteria provided, single submitter. Criteria: Invitae Variant Classification Sherloc (09022015). Collection method: clinical testing. Allele origin: germline.

Department of Pathology and Laboratory Medicine, Sinai Health System
Classification: Likely benign for Type 2 diabetes mellitus; Arterial calcification, generalized, of infancy, 1; Inherited obesity; Hypophosphatemic rickets, autosomal recessive, 2; Hypopigmentation-punctate palmoplantar keratoderma syndrome. Last evaluated: 2021-07-30. Review status: criteria provided, single submitter. Criteria: ACMG Guidelines, 2015. Collection method: research. Allele origin: germline.

Illumina Laboratory Services, Illumina
Classification: Likely benign for Hypophosphatemic rickets, autosomal recessive, 2. Last evaluated: 2018-01-13. Review status: criteria provided, single submitter. Criteria: ICSL Variant Classification Criteria 13 December 2019. Collection method: clinical testing. Allele origin: germline.
Comment: This variant was observed in the ICSL laboratory as part of a predisposition screen in an ostensibly healthy population. It had not been previously curated by ICSL or reported in the Human Gene Mutation Database (HGMD: prior to June 1st, 2018), and was therefore a candidate for classification through an automated scoring system. Utilizing variant allele frequency, disease prevalence and penetrance estimates, and inheritance mode, an automated score was calculated to assess if this variant is too frequent to cause the disease. Based on the score and internal cut-off values, a variant classified as likely benign is not then subjected to further curation. The score for this variant resulted in a classification of likely benign for this disease.

Illumina Laboratory Services, Illumina
Classification: Likely benign for Arterial calcification, generalized, of infancy, 1. Last evaluated: 2018-01-13. Review status: criteria provided, single submitter. Criteria: ICSL Variant Classification Criteria 13 December 2019. Collection method: clinical testing. Allele origin: germline.
Comment: the same text as in the submission from Illumina Laboratory Services, Illumina above.

Genetic Services Laboratory, University of Chicago
Classification: Uncertain significance. Last evaluated: 2016-11-07. Review status: criteria provided, single submitter. Criteria: ACMG Guidelines, 2015. Collection method: clinical testing. Allele origin: germline. Affected: no.

PreventionGenetics, part of Exact Sciences
Classification: Likely benign for ENPP1-related condition. Last evaluated: 2019-12-13. Review status: no assertion criteria provided. Collection method: clinical testing. Allele origin: germline. Not counted in ClinVar's aggregate classification.
Comment: This variant is classified as likely benign based on ACMG/AMP sequence variant interpretation guidelines (Richards et al. 2015 PMID: 25741868, with internal and published modifications).

Literature cited by the submitters: PubMed 26836588 (cited by Women's Health and Genetics/Laboratory Corporation of America, LabCorp).

NM_006208.3(ENPP1):c.2336C>A (p.Thr779Asn)

Gene: ENPP1 (ectonucleotide pyrophosphatase/phosphodiesterase 1; plus strand). Cytogenetic location: 6q23.2.
Variant type: single nucleotide variant.
Coding change: c.2336C>A on transcript NM_006208.3 (MANE Select); coding-DNA position 2336, C replaced by A.
Protein change: p.Thr779Asn; replaces threonine 779 with asparagine.
Molecular consequence: missense variant.
Genome position (GRCh38, 1-based): chr6:131,884,955, C>A. VCF-style: chr6-131884955-C-A. GRCh37 (hg19) VCF-style: chr6-132206095-C-A.
Other names: short protein forms T779N.
Identifiers: ClinVar variation 435061 (VCV000435061.22), dbSNP rs200239821, ClinGen allele CA4002509.